The following is an entry in ClinVar:

NM_018897.3(DNAH7):c.2479G>A (p.Val827Ile)

Gene: DNAH7 (dynein axonemal heavy chain 7; minus strand). Cytogenetic location: 2q32.3.
Variant type: single nucleotide variant.
Coding change: c.2479G>A on transcript NM_018897.3 (MANE Select); coding-DNA position 2479, G replaced by A.
Protein change: p.Val827Ile; replaces valine 827 with isoleucine.
Molecular consequence: missense variant.
Genome position (GRCh38, 1-based): chr2:195,960,672, C>T on the plus strand (G>A on the coding strand, the complement: DNAH7 is on the minus strand). VCF-style: chr2-195960672-C-T. GRCh37 (hg19) VCF-style: chr2-196825396-C-T.
Other names: short protein forms V827I.
Identifiers: ClinVar variation 2637334 (VCV002637334.1), dbSNP rs2469087058, ClinGen allele CA349945770.
Genomic context (GRCh38, chr2:195,960,672, plus strand): 5'-GATTACAGATCACTTGAATGAGAGGAATGTGCTGCTTGAAATCTTCCACCTTTGATCTTA[C>T]TTTTTTTGTCATTGCCAATGCATATGGAGAATCATGAAAGGTTTTCTCCAGTTTATATAA-3'
Protein context (NP_061720.2, residues 817-837): SPYALAMTKK[Val827Ile]RSKVEDFKQH

ClinVar aggregate classification (germline): Uncertain significance (1 of 4 stars; one submission).

Conditions:
DNAH7-related disorder. Also called: DNAH7-related condition.

Submission:

PreventionGenetics, part of Exact Sciences
Classification: Uncertain significance for DNAH7-related condition. Last evaluated: 2022-09-14. Review status: criteria provided, single submitter. Criteria: ACMG Guidelines, 2015. Collection method: clinical testing. Allele origin: germline.
Comment: The DNAH7 c.2479G>A variant is predicted to result in the amino acid substitution p.Val827Ile. To our knowledge, this variant has not been reported in the literature or in a large population database, indicating this variant is rare. At this time, the clinical significance of this variant is uncertain due to the absence of conclusive functional and genetic evidence.